The following is an entry in ClinVar:

NM_181507.2(HPS5):c.3091C>A (p.Leu1031Ile)

Gene: HPS5 (HPS5 biogenesis of lysosomal organelles complex 2 subunit 2; minus strand). Cytogenetic location: 11p15.1.
Variant type: single nucleotide variant.
Coding change: c.3091C>A on transcript NM_181507.2 (MANE Select); coding-DNA position 3091, C replaced by A.
Protein change: p.Leu1031Ile; replaces leucine 1031 with isoleucine.
Molecular consequence: missense variant.
Genome position (GRCh38, 1-based): chr11:18,282,188, G>T on the plus strand (C>A on the coding strand, the complement: HPS5 is on the minus strand). VCF-style: chr11-18282188-G-T. GRCh37 (hg19) VCF-style: chr11-18303735-G-T.
Other names: c.2749C>A, p.Leu917Ile (NM_007216.4, NM_181508.2); short protein forms L917I, L1031I.
Identifiers: ClinVar variation 1936074 (VCV001936074.2), dbSNP rs754905012, ClinGen allele CA5909643.

ClinVar aggregate classification (germline): Uncertain significance (1 of 4 stars; one submission).

Allele frequency attached by ClinVar (database versions not stated): TOPMed below 0.00001; gnomAD 0.00004; gnomAD exomes 0.00004; ExAC 0.00011.
gnomAD v4.1: 64 of 1,614,058 alleles (0.004%); highest among the groups gnomAD compares: South Asian, 0.065%; no homozygotes.

Submission:

Labcorp Genetics (formerly Invitae), Labcorp
Classification: Uncertain significance. Last evaluated: 2022-08-31. Review status: criteria provided, single submitter. Criteria: Invitae Variant Classification Sherloc (09022015). Collection method: clinical testing. Allele origin: germline.
Comment: This sequence change replaces leucine, which is neutral and non-polar, with isoleucine, which is neutral and non-polar, at codon 1031 of the HPS5 protein (p.Leu1031Ile). The frequency data for this variant in the population databases is considered unreliable, as metrics indicate poor data quality at this position in the gnomAD database. This variant has not been reported in the literature in individuals affected with HPS5-related conditions. Algorithms developed to predict the effect of missense changes on protein structure and function are either unavailable or do not agree on the potential impact of this missense change (SIFT: "Tolerated"; PolyPhen-2: "Possibly Damaging"; Align-GVGD: "Class C0"). In summary, the available evidence is currently insufficient to determine the role of this variant in disease. Therefore, it has been classified as a Variant of Uncertain Significance.